The following is an entry in ClinVar:

ClinVar aggregate classification (germline): Uncertain significance. Review status: criteria provided, multiple submitters, no conflicts (2 of 4 stars). 2 submissions from 2 submitters: Uncertain significance (2). Last evaluated 2022-10-01.

Conditions:
Inborn genetic diseases. Identifiers: MedGen C0950123, MeSH D030342.

Allele frequency attached by ClinVar (database versions not stated): gnomAD exomes 0.00001; TOPMed 0.00001; ExAC 0.00002.

Submissions (2):

Labcorp Genetics (formerly Invitae), Labcorp
Classification: Uncertain significance. Last evaluated: 2022-10-01. Review status: criteria provided, single submitter. Criteria: Invitae Variant Classification Sherloc (09022015). Collection method: clinical testing. Allele origin: germline.
Comment: This sequence change replaces asparagine, which is neutral and polar, with serine, which is neutral and polar, at codon 3 of the FLVCR2 protein (p.Asn3Ser). This variant is present in population databases (rs761114230, gnomAD 0.01%). This variant has not been reported in the literature in individuals affected with FLVCR2-related conditions. Algorithms developed to predict the effect of missense changes on protein structure and function (SIFT, PolyPhen-2, Align-GVGD) all suggest that this variant is likely to be tolerated. In summary, the available evidence is currently insufficient to determine the role of this variant in disease. Therefore, it has been classified as a Variant of Uncertain Significance.

Ambry Genetics
Classification: Uncertain significance for Inborn genetic diseases. Last evaluated: 2021-07-16. Review status: criteria provided, single submitter. Criteria: Ambry Variant Classification Scheme 2023. Collection method: clinical testing. Allele origin: germline.

NM_017791.3(FLVCR2):c.8A>G (p.Asn3Ser)

Genes: FLVCR2 (FLVCR choline and putative heme transporter 2; plus strand), FLVCR2-AS1 (FLVCR2 antisense RNA 1; minus strand). Cytogenetic location: 14q24.3.
Variant type: single nucleotide variant.
Coding change: c.8A>G on transcript NM_017791.3 (MANE Select); coding-DNA position 8, A replaced by G.
Protein change: p.Asn3Ser; replaces asparagine 3 with serine.
Molecular consequence: missense variant. On other transcripts: non-coding transcript variant (1).
Genome position (GRCh38, 1-based): chr14:75,578,980, A>G. VCF-style: chr14-75578980-A-G. GRCh37 (hg19) VCF-style: chr14-76045323-A-G.
Other names: short protein forms N3S.
Identifiers: ClinVar variation 1988628 (VCV001988628.2), dbSNP rs761114230, ClinGen allele CA7278133.